The following is an entry in ClinVar:

ClinVar aggregate classification (germline): Likely benign. Review status: criteria provided, multiple submitters, no conflicts (2 of 4 stars). 2 submissions from 2 submitters: Likely benign (2). Last evaluated 2026-01-12.

Conditions:
HACD1-related disorder. Also called: HACD1-related condition.

Allele frequency attached by ClinVar (database versions not stated): gnomAD exomes 0.00012 and 0.00005; ExAC 0.00016; TOPMed 0.00043; gnomAD 0.00046 and 0.00047; ESP Exome Variant Server 0.00062; 1000 Genomes Project 30x 0.00094; 1000 Genomes Project 0.00100.
gnomAD v4.1: 140 of 1,553,842 alleles (0.009%); highest among the groups gnomAD compares: African/African-American, 0.18%; 2 homozygotes.

Submissions (2):

Labcorp Genetics (formerly Invitae), Labcorp
Classification: Likely benign. Last evaluated: 2026-01-12. Review status: criteria provided, single submitter. Criteria: Invitae Variant Classification Sherloc (09022015). Collection method: clinical testing. Allele origin: germline.

PreventionGenetics, part of Exact Sciences
Classification: Likely benign for HACD1-related condition. Last evaluated: 2025-04-14. Review status: criteria provided, single submitter. Criteria: ACMG Guidelines, 2015. Collection method: clinical testing. Allele origin: germline.
Comment: This variant is classified as likely benign based on ACMG/AMP sequence variant interpretation guidelines (Richards et al. 2015 PMID: 25741868, with internal and published modifications).

NM_014241.4(HACD1):c.262T>C (p.Leu88=)

Gene: HACD1 (3-hydroxyacyl-CoA dehydratase 1; minus strand). Cytogenetic location: 10p12.33.
Variant type: single nucleotide variant.
Coding change: c.262T>C on transcript NM_014241.4 (MANE Select); coding-DNA position 262, T replaced by C.
Protein change: p.Leu88=; no amino-acid change (leucine 88 retained).
Molecular consequence: synonymous variant.
Genome position (GRCh38, 1-based): chr10:17,604,043, A>G on the plus strand (T>C on the coding strand, the complement: HACD1 is on the minus strand). VCF-style: chr10-17604043-A-G. GRCh37 (hg19) VCF-style: chr10-17646042-A-G.
Other names: c.262T>C (NM_014241.3).
Identifiers: ClinVar variation 1596721 (VCV001596721.9), dbSNP rs116294036, ClinGen allele CA5427373.